The following is an entry in ClinVar:

NM_031372.4(HNRNPDL):c.247C>T (p.Pro83Ser)

Gene: HNRNPDL (heterogeneous nuclear ribonucleoprotein D like; minus strand). Cytogenetic location: 4q21.22.
Variant type: single nucleotide variant.
Coding change: c.247C>T on transcript NM_031372.4 (MANE Select); coding-DNA position 247, C replaced by T.
Protein change: p.Pro83Ser; replaces proline 83 with serine.
Molecular consequence: missense variant. On other transcripts: non-coding transcript variant (1).
Genome position (GRCh38, 1-based): chr4:82,429,444, G>A on the plus strand (C>T on the coding strand, the complement: HNRNPDL is on the minus strand). VCF-style: chr4-82429444-G-A. GRCh37 (hg19) VCF-style: chr4-83350597-G-A.
Other names: c.247C>T, p.Pro83Ser (NM_001207000.1); short protein forms P83S.
Identifiers: ClinVar variation 2920258 (VCV002920258.3), dbSNP rs571839198, ClinGen allele CA2985106.

ClinVar aggregate classification (germline): Uncertain significance (1 of 4 stars; one submission).

Conditions:
Autosomal dominant limb-girdle muscular dystrophy type 1G (LGMDD3). Also called: Limb-girdle muscular dystrophy, type 1G; MUSCULAR DYSTROPHY, LIMB-GIRDLE, AUTOSOMAL DOMINANT 3. Identifiers: Orphanet 55596, MedGen C1836765, MONDO:0012193, OMIM 609115.

Allele frequency attached by ClinVar (database versions not stated): TOPMed 0.00003; ExAC 0.00007; gnomAD 0.00007; 1000 Genomes Project 30x 0.00094; 1000 Genomes Project 0.00100.

Submission:

Labcorp Genetics (formerly Invitae), Labcorp
Classification: Uncertain significance for Autosomal dominant limb-girdle muscular dystrophy type 1G. Last evaluated: 2024-06-29. Review status: criteria provided, single submitter. Criteria: Invitae Variant Classification Sherloc (09022015). Collection method: clinical testing. Allele origin: germline.
Comment: This sequence change replaces proline, which is neutral and non-polar, with serine, which is neutral and polar, at codon 83 of the HNRNPDL protein (p.Pro83Ser). This variant is present in population databases (rs571839198, gnomAD 0.04%), including at least one homozygous and/or hemizygous individual. This variant has not been reported in the literature in individuals affected with HNRNPDL-related conditions. An algorithm developed to predict the effect of missense changes on protein structure and function (PolyPhen-2) suggests that this variant is likely to be disruptive. In summary, the available evidence is currently insufficient to determine the role of this variant in disease. Therefore, it has been classified as a Variant of Uncertain Significance.